The following is an entry in ClinVar:

ClinVar aggregate classification (germline): Uncertain significance. Review status: criteria provided, multiple submitters, no conflicts (2 of 4 stars). 2 submissions from 2 submitters: Uncertain significance (2). Last evaluated 2023-12-19.

Conditions:
Inborn genetic diseases. Identifiers: MedGen C0950123, MeSH D030342.

Allele frequency attached by ClinVar (database versions not stated): TOPMed below 0.00001; ExAC 0.00001; gnomAD 0.00001; gnomAD exomes 0.00001; 1000 Genomes Project 30x 0.00016; 1000 Genomes Project 0.00020.
gnomAD v4.1: 8 of 1,614,198 alleles (0.0005%); highest among the groups gnomAD compares: African/African-American, 0.0053%; no homozygotes.

Submissions (2):

Labcorp Genetics (formerly Invitae), Labcorp
Classification: Uncertain significance. Last evaluated: 2023-12-19. Review status: criteria provided, single submitter. Criteria: Invitae Variant Classification Sherloc (09022015). Collection method: clinical testing. Allele origin: germline.
Comment: This sequence change replaces threonine, which is neutral and polar, with serine, which is neutral and polar, at codon 472 of the HTRA1 protein (p.Thr472Ser). This variant is present in population databases (rs560407744, gnomAD 0.008%). This variant has not been reported in the literature in individuals affected with HTRA1-related conditions. ClinVar contains an entry for this variant (Variation ID: 1392488). Advanced modeling of protein sequence and biophysical properties (such as structural, functional, and spatial information, amino acid conservation, physicochemical variation, residue mobility, and thermodynamic stability) performed at Invitae indicates that this missense variant is not expected to disrupt HTRA1 protein function with a negative predictive value of 80%. In summary, the available evidence is currently insufficient to determine the role of this variant in disease. Therefore, it has been classified as a Variant of Uncertain Significance.

Ambry Genetics
Classification: Uncertain significance for Inborn genetic diseases. Last evaluated: 2022-01-07. Review status: criteria provided, single submitter. Criteria: Ambry Variant Classification Scheme 2023. Collection method: clinical testing. Allele origin: germline.

NM_002775.5(HTRA1):c.1414A>T (p.Thr472Ser)

Gene: HTRA1 (HtrA serine peptidase 1; plus strand). Cytogenetic location: 10q26.13.
Variant type: single nucleotide variant.
Coding change: c.1414A>T on transcript NM_002775.5 (MANE Select); coding-DNA position 1414, A replaced by T.
Protein change: p.Thr472Ser; replaces threonine 472 with serine.
Molecular consequence: missense variant.
Genome position (GRCh38, 1-based): chr10:122,514,330, A>T. VCF-style: chr10-122514330-A-T. GRCh37 (hg19) VCF-style: chr10-124273846-A-T.
Other names: c.1414A>T (NM_002775.4); short protein forms T472S.
Identifiers: ClinVar variation 1392488 (VCV001392488.7), dbSNP rs560407744, ClinGen allele CA5726174.